The following is an entry in ClinVar:

ClinVar aggregate classification (germline): Uncertain significance (1 of 4 stars; one submission).

Submission:

GeneDx
Classification: Uncertain significance. Last evaluated: 2022-08-18. Review status: criteria provided, single submitter. Criteria: GeneDx Variant Classification Process June 2021. Collection method: clinical testing. Allele origin: germline. Affected: yes.
Comment: Not observed at significant frequency in large population cohorts (gnomAD); In silico analysis supports that this missense variant does not alter protein structure/function; Has not been previously published as pathogenic or benign to our knowledge

NM_001042475.3(CEP85L):c.943G>C (p.Glu315Gln)

Gene: CEP85L (centrosomal protein 85 like; minus strand). Cytogenetic location: 6q22.31.
Variant type: single nucleotide variant.
Coding change: c.943G>C on transcript NM_001042475.3 (MANE Select); coding-DNA position 943, G replaced by C.
Protein change: p.Glu315Gln; replaces glutamic acid 315 with glutamine.
Molecular consequence: missense variant.
Genome position (GRCh38, 1-based): chr6:118,565,606, C>G on the plus strand (G>C on the coding strand, the complement: CEP85L is on the minus strand). VCF-style: chr6-118565606-C-G. GRCh37 (hg19) VCF-style: chr6-118886769-C-G.
Other names: c.952G>C, p.Glu318Gln (NM_001178035.2); c.943G>C, p.Glu315Gln (NM_206921.3); short protein forms E315Q, E318Q.
Identifiers: ClinVar variation 2430525 (VCV002430525.1), dbSNP rs2534370435, ClinGen allele CA365548618.
Genomic context (GRCh38, chr6:118,565,606, plus strand): 5'-TTCCTTGTCGAAAGTCTTCAATTTGCTGCTGTTGCCAAGGAGCTAAACTGTAAGAATCCT[C>G]TGTATTTCTACCTTCCAAAGGATTTGTCCGCAGCTGCTCTGTAAGCCACATCTGAGTCCT-3'
Protein context (NP_001035940.1, residues 305-325): RTNPLEGRNT[Glu315Gln]DSYSLAPWQQ